The following is an entry in ClinVar:

ClinVar aggregate classification (germline): Benign/Likely benign. Review status: criteria provided, multiple submitters, no conflicts (2 of 4 stars). 6 submissions from 6 submitters: Benign (1); Likely benign (5). Last evaluated 2026-06-04.

Conditions:
KIT-related disorder. Also called: KIT-related condition.
Hereditary cancer-predisposing syndrome. Also called: Neoplastic Syndromes, Hereditary; Hereditary neoplastic syndrome; Hereditary Cancer Syndrome; Tumor predisposition. Identifiers: Orphanet 140162, MedGen C0027672, MeSH D009386, MONDO:0015356.
Gastrointestinal stromal tumor. Also called: Gastrointestinal stromal tumor, somatic; Gastrointestinal stroma tumor. Identifiers: Orphanet 44890, MedGen C0238198, MeSH D046152, MONDO:0011719, OMIM 606764, HP:0100723.

Allele frequency attached by ClinVar (database versions not stated): gnomAD exomes 0.00005 and 0.00001; ESP Exome Variant Server 0.00008; ExAC 0.00001; gnomAD 0.00003; TOPMed 0.00004.
gnomAD v4.1: 83 of 1,613,858 alleles (0.0051%); highest among the groups gnomAD compares: Non-Finnish European, 0.0066%; no homozygotes.

Submissions (6):

Myriad Genetics, Inc.
Classification: Benign for Gastrointestinal stromal tumor. Last evaluated: 2026-06-04. Review status: criteria provided, single submitter. Criteria: Myriad Autosomal Dominant, Autosomal Recessive and X-Linked Classification Criteria (2023). Collection method: clinical testing. Allele origin: unknown.
Comment: This variant is considered benign. This variant is a silent/synonymous amino acid change and it is not expected to impact splicing.

PreventionGenetics, part of Exact Sciences
Classification: Likely benign for KIT-related condition. Last evaluated: 2026-03-29. Review status: criteria provided, single submitter. Criteria: ACMG Guidelines, 2015. Collection method: clinical testing. Allele origin: germline.
Comment: This variant is classified as likely benign based on ACMG/AMP sequence variant interpretation guidelines (Richards et al. 2015 PMID: 25741868, with internal and published modifications).

Labcorp Genetics (formerly Invitae), Labcorp
Classification: Likely benign for Gastrointestinal stromal tumor. Last evaluated: 2026-01-06. Review status: criteria provided, single submitter. Criteria: Invitae Variant Classification Sherloc (09022015). Collection method: clinical testing. Allele origin: germline.

Blueprint Genetics
Classification: Likely benign. Last evaluated: 2024-09-06. Review status: criteria provided, single submitter. Criteria: ACMG Guidelines, 2015. Collection method: clinical testing. Allele origin: germline.

ARUP Laboratories, Molecular Genetics and Genomics, ARUP Laboratories
Classification: Likely benign. Last evaluated: 2024-03-25. Review status: criteria provided, single submitter. Criteria: ARUP Molecular Germline Variant Investigation Process 2024. Collection method: clinical testing. Allele origin: germline.

Ambry Genetics
Classification: Likely benign for Hereditary cancer-predisposing syndrome. Last evaluated: 2020-06-09. Review status: criteria provided, single submitter. Criteria: Ambry Variant Classification Scheme 2023. Collection method: clinical testing. Allele origin: germline.

NM_000222.3(KIT):c.1860C>T (p.Val620=)

Gene: KIT (KIT proto-oncogene, receptor tyrosine kinase; plus strand). Cytogenetic location: 4q12.
Variant type: single nucleotide variant.
Coding change: c.1860C>T on transcript NM_000222.3 (MANE Select); coding-DNA position 1860, C replaced by T.
Protein change: p.Val620=; no amino-acid change (valine 620 retained).
Molecular consequence: synonymous variant.
Genome position (GRCh38, 1-based): chr4:54,727,908, C>T. VCF-style: chr4-54727908-C-T. GRCh37 (hg19) VCF-style: chr4-55594074-C-T.
Other names: c.1848C>T, p.Val616= (NM_001093772.2, NM_001385286.1); c.1863C>T, p.Val621= (NM_001385284.1, NM_001385290.1); c.1860C>T, p.Val620= (NM_001385285.1); c.1851C>T, p.Val617= (NM_001385288.1, NM_001385292.1).
Identifiers: ClinVar variation 237250 (VCV000237250.18), dbSNP rs200814065, ClinGen allele CA2923587.